The following is an entry in ClinVar:

NM_003477.3(PDHX):c.62_63delinsTT (p.Pro21Leu)

Genes: PDHX (pyruvate dehydrogenase complex component X; plus strand), LOC130005549 (ATAC-STARR-seq lymphoblastoid active region 4608; plus strand). Cytogenetic location: 11p13.
Variant type: Indel.
Coding change: c.62_63delinsTT on transcript NM_003477.3 (MANE Select); coding-DNA positions 62 to 63, CC replaced by TT.
Protein change: p.Pro21Leu; replaces proline 21 with leucine.
Molecular consequence: missense variant. On other transcripts: intron variant (1).
Genome position (GRCh38, 1-based): chr11:34,916,717-34,916,718, CC replaced by TT. VCF-style: chr11-34916717-CC-TT. GRCh37 (hg19) VCF-style: chr11-34938264-CC-TT.
Other names: c.62_63delinsTT, p.Pro21Leu (NM_001166158.2); c.-21+231_-21+232delinsTT (NM_001135024.2); short protein forms P21L.
Identifiers: ClinVar variation 4689982 (VCV004689982.1).

ClinVar aggregate classification (germline): Uncertain significance (1 of 4 stars; one submission).

Submission:

GeneDx
Classification: Uncertain significance. Last evaluated: 2025-08-01. Review status: criteria provided, single submitter. Criteria: GeneDx Variant Classification Process June 2021. Collection method: clinical testing. Allele origin: germline. Affected: yes.
Comment: In silico analysis suggests that this variant does not alter protein structure/function; Has not been previously published as pathogenic or benign to our knowledge